The following is an entry in ClinVar:

NM_024422.6(DSC2):c.2653G>A (p.Asp885Asn)

Gene: DSC2 (desmocollin 2; minus strand). Cytogenetic location: 18q12.1.
Variant type: single nucleotide variant.
Coding change: c.2653G>A on transcript NM_024422.6 (MANE Select); coding-DNA position 2653, G replaced by A.
Protein change: p.Asp885Asn; replaces aspartic acid 885 with asparagine.
Molecular consequence: missense variant. On other transcripts: 3 prime UTR variant (2).
Genome position (GRCh38, 1-based): chr18:31,068,068, C>T on the plus strand (G>A on the coding strand, the complement: DSC2 is on the minus strand). VCF-style: chr18-31068068-C-T. GRCh37 (hg19) VCF-style: chr18-28648034-C-T.
Other names: c.2224G>A, p.Asp742Asn (NM_001406506.1); c.*155G>A (NM_001406507.1, NM_004949.5); short protein forms D742N, D885N.
Identifiers: ClinVar variation 4014907 (VCV004014907.1).
Genomic context (GRCh38, chr18:31,068,068, plus strand): 5'-AACACACTCATCTCTTCATGCATGCTTCTGCTAGTGTCCTAAATTTGGGCTCCAAATTAT[C>T]CAAAAATTCAAGCCCATCTTCTTCTTGTCGTTCACTGCAACAACCTACAGACCCAGCCAC-3'
Protein context (NP_077740.1, residues 875-895): RQEEDGLEFL[Asp885Asn]NLEPKFRTLA

ClinVar aggregate classification (germline): Uncertain significance (1 of 4 stars; one submission).

Conditions:
Cardiovascular phenotype. Identifiers: MedGen CN230736.

Submission:

Ambry Genetics
Classification: Uncertain significance for Cardiovascular phenotype. Last evaluated: 2025-05-08. Review status: criteria provided, single submitter. Criteria: Ambry Variant Classification Scheme 2023. Collection method: clinical testing. Allele origin: germline.
Comment: The p.D885N variant (also known as c.2653G>A), located in coding exon 16 of the DSC2 gene, results from a G to A substitution at nucleotide position 2653. The aspartic acid at codon 885 is replaced by asparagine, an amino acid with highly similar properties. This amino acid position is conserved. In addition, this alteration is predicted to be tolerated by in silico analysis. Based on the available evidence, the clinical significance of this variant remains unclear.